The following is an entry in ClinVar:

ClinVar aggregate classification (germline): Uncertain significance. Review status: criteria provided, multiple submitters, no conflicts (2 of 4 stars). 2 submissions from 2 submitters: Uncertain significance (2). Last evaluated 2025-10-07.

Conditions:
Inborn genetic diseases. Identifiers: MedGen C0950123, MeSH D030342.

Allele frequency attached by ClinVar (database versions not stated): ExAC 0.00001.
gnomAD v4.1: 5 of 1,576,816 alleles (0.00032%); highest among the groups gnomAD compares: Admixed American, 0.0067%; no homozygotes.

Submissions (2):

Ambry Genetics
Classification: Uncertain significance for Inborn genetic diseases. Last evaluated: 2025-10-07. Review status: criteria provided, single submitter. Criteria: Ambry Variant Classification Scheme 2023. Collection method: clinical testing. Allele origin: germline.

Labcorp Genetics (formerly Invitae), Labcorp
Classification: Uncertain significance. Last evaluated: 2022-05-27. Review status: criteria provided, single submitter. Criteria: Invitae Variant Classification Sherloc (09022015). Collection method: clinical testing. Allele origin: germline.
Comment: This sequence change replaces glutamic acid, which is acidic and polar, with glutamine, which is neutral and polar, at codon 442 of the GFM1 protein (p.Glu442Gln). This variant is present in population databases (rs757691557, gnomAD 0.01%). This variant has not been reported in the literature in individuals affected with GFM1-related conditions. Algorithms developed to predict the effect of missense changes on protein structure and function are either unavailable or do not agree on the potential impact of this missense change (SIFT: "Deleterious"; PolyPhen-2: "Possibly Damaging"; Align-GVGD: "Class C0"). Algorithms developed to predict the effect of sequence changes on RNA splicing suggest that this variant may disrupt the consensus splice site. In summary, the available evidence is currently insufficient to determine the role of this variant in disease. Therefore, it has been classified as a Variant of Uncertain Significance.

NM_024996.7(GFM1):c.1324G>C (p.Glu442Gln)

Gene: GFM1 (G elongation factor mitochondrial 1; plus strand). Cytogenetic location: 3q25.32.
Variant type: single nucleotide variant.
Coding change: c.1324G>C on transcript NM_024996.7 (MANE Select); coding-DNA position 1324, G replaced by C.
Protein change: p.Glu442Gln; replaces glutamic acid 442 with glutamine.
Molecular consequence: missense variant. On other transcripts: non-coding transcript variant (4).
Genome position (GRCh38, 1-based): chr3:158,662,628, G>C. VCF-style: chr3-158662628-G-C. GRCh37 (hg19) VCF-style: chr3-158380417-G-C.
Other names: c.1324G>C (NM_024996.5); c.1381G>C, p.Glu461Gln (NM_001308164.2); c.1324G>C, p.Glu442Gln (NM_001308166.2); c.1243G>C, p.Glu415Gln (NM_001374355.1); c.1207G>C, p.Glu403Gln (NM_001374356.1); c.1099G>C, p.Glu367Gln (NM_001374357.1); c.865G>C, p.Glu289Gln (NM_001374358.1); c.757G>C, p.Glu253Gln (NM_001374359.1, NM_001374360.1); and 1 more; short protein forms E403Q, E461Q, E289Q, E214Q, E253Q, E367Q, E415Q, E442Q.
Identifiers: ClinVar variation 2150806 (VCV002150806.2), dbSNP rs757691557, ClinGen allele CA2682615.